The following is an entry in ClinVar:

NM_016203.4(PRKAG2):c.219C>T (p.Ser73=)

Gene: PRKAG2 (protein kinase AMP-activated non-catalytic subunit gamma 2; minus strand). Cytogenetic location: 7q36.1.
Variant type: single nucleotide variant.
Coding change: c.219C>T on transcript NM_016203.4 (MANE Select); coding-DNA position 219, C replaced by T.
Protein change: p.Ser73=; no amino-acid change (serine 73 retained).
Molecular consequence: synonymous variant. On other transcripts: intron variant (1).
Genome position (GRCh38, 1-based): chr7:151,781,399, G>A on the plus strand (C>T on the coding strand, the complement: PRKAG2 is on the minus strand). VCF-style: chr7-151781399-G-A. GRCh37 (hg19) VCF-style: chr7-151478485-G-A.
Other names: c.87C>T, p.Ser29= (NM_001040633.2, NM_001407024.1, NM_001407026.1 and 2 more transcripts); c.219C>T, p.Ser73= (NM_001407021.1, NM_001407022.1, NM_001407023.1 and 2 more transcripts); c.148+33017C>T (NM_001407032.1).
Identifiers: ClinVar variation 3387542 (VCV003387542.1).

ClinVar aggregate classification (germline): Likely benign (1 of 4 stars; one submission).

Conditions:
Hypertrophic cardiomyopathy. Also called: HYPERTROPHIC MYOCARDIOPATHY. Identifiers: Orphanet 217569, MedGen C0007194, MeSH D002312, MONDO:0005045, HP:0001639.

gnomAD v4.1: 6 of 1,611,564 alleles (0.00037%); highest among the groups gnomAD compares: Non-Finnish European, 0.00051%; no homozygotes.

Submission:

All of Us Research Program, National Institutes of Health
Classification: Likely benign for Hypertrophic cardiomyopathy. Last evaluated: 2024-06-17. Review status: criteria provided, single submitter. Criteria: ACMG Guidelines, 2015. Collection method: clinical testing. Allele origin: germline. Inheritance: Autosomal dominant inheritance. Observed: 1 variant allele, 1 heterozygote.
Comment: This study involves interpretation of variants in research participants for the purpose of population health screening. Participant phenotype was not available at the time of variant classification. Additional details can be found in publication PMID: 35346344, PMCID: PMC8962531